The following is an entry in ClinVar:

ClinVar aggregate classification (germline): Uncertain significance (1 of 4 stars; one submission).

Conditions:
UNC45B-related disorder. Also called: UNC45B-related condition.

Allele frequency attached by ClinVar (database versions not stated): gnomAD exomes 0.00001; TOPMed 0.00001; ExAC 0.00002.
gnomAD v4.1: 7 of 1,614,086 alleles (0.00043%); highest among the groups gnomAD compares: Admixed American, 0.01%; no homozygotes.

Submission:

PreventionGenetics, part of Exact Sciences
Classification: Uncertain significance for UNC45B-related condition. Last evaluated: 2023-08-22. Review status: criteria provided, single submitter. Criteria: ACMG Guidelines, 2015. Collection method: clinical testing. Allele origin: germline.
Comment: The UNC45B c.2105C>A variant is predicted to result in the amino acid substitution p.Ala702Asp. To our knowledge, this variant has not been reported in the literature. This variant is reported in 0.014% of alleles in individuals of Latino descent in gnomAD. At this time, the clinical significance of this variant is uncertain due to the absence of conclusive functional and genetic evidence.

NM_001267052.2(UNC45B):c.2099C>A (p.Ala700Asp)

Gene: UNC45B (unc-45 myosin chaperone B; plus strand). Cytogenetic location: 17q12.
Variant type: single nucleotide variant.
Coding change: c.2099C>A on transcript NM_001267052.2 (MANE Select); coding-DNA position 2099, C replaced by A.
Protein change: p.Ala700Asp; replaces alanine 700 with aspartic acid.
Molecular consequence: missense variant.
Genome position (GRCh38, 1-based): chr17:35,177,090, C>A. VCF-style: chr17-35177090-C-A. GRCh37 (hg19) VCF-style: chr17-33504109-C-A.
Other names: c.2099C>A, p.Ala700Asp (NM_001033576.2); c.1862C>A, p.Ala621Asp (NM_001308281.1); c.2105C>A, p.Ala702Asp (NM_173167.3); short protein forms A621D, A700D, A702D.
Identifiers: ClinVar variation 2631879 (VCV002631879.1), dbSNP rs777504541, ClinGen allele CA8501401.